The following is an entry in ClinVar:

NM_002474.3(MYH11):c.4263C>T (p.Thr1421=)

Genes: MYH11 (myosin heavy chain 11; minus strand), NDE1 (nudE neurodevelopment protein 1; plus strand). Cytogenetic location: 16p13.11.
Variant type: single nucleotide variant.
Coding change: c.4263C>T on transcript NM_002474.3 (MANE Select); coding-DNA position 4263, C replaced by T.
Protein change: p.Thr1421=; no amino-acid change (threonine 1421 retained).
Molecular consequence: synonymous variant. On other transcripts: 3 prime UTR variant (2).
Genome position (GRCh38, 1-based): chr16:15,724,263, G>A on the plus strand (C>T on the coding strand, the complement: MYH11 is on the minus strand). VCF-style: chr16-15724263-G-A. GRCh37 (hg19) VCF-style: chr16-15818120-G-A.
Other names: c.4284C>T, p.Thr1428= (NM_001040113.2, NM_001040114.2); c.4263C>T, p.Thr1421= (NM_022844.3); c.*12G>A (NM_001143979.2, NM_017668.3).
Identifiers: ClinVar variation 2498652 (VCV002498652.30), dbSNP rs779922185, ClinGen allele CA493758590.

ClinVar aggregate classification (germline): Likely benign. Review status: criteria provided, multiple submitters, no conflicts (2 of 4 stars). 2 submissions from 2 submitters: Likely benign (2). Last evaluated 2024-10-09.

Conditions:
Aortic aneurysm, familial thoracic 4 (AAT4). Also called: AORTIC ANEURYSM/AORTIC DISSECTION AND PATENT DUCTUS ARTERIOSUS. Identifiers: MedGen C1851504, MONDO:0007568, OMIM 132900.

Submissions (2):

Labcorp Genetics (formerly Invitae), Labcorp
Classification: Likely benign for Aortic aneurysm, familial thoracic 4. Last evaluated: 2024-10-09. Review status: criteria provided, single submitter. Criteria: Invitae Variant Classification Sherloc (09022015). Collection method: clinical testing. Allele origin: germline.

CeGaT Center for Human Genetics Tuebingen
Classification: Likely benign. Last evaluated: 2023-03-01. Review status: criteria provided, single submitter. Criteria: CeGaT Center For Human Genetics Tuebingen Variant Classification Criteria Version 2. Collection method: clinical testing. Allele origin: germline. Affected: yes. Observed: 1 variant allele.
Comment: MYH11: PM2:Supporting, BP4, BP7